The following is an entry in ClinVar:

NM_020458.4(TTC7A):c.908C>G (p.Pro303Arg)

Gene: TTC7A (tetratricopeptide repeat domain 7A; plus strand). Cytogenetic location: 2p21.
Variant type: single nucleotide variant.
Coding change: c.908C>G on transcript NM_020458.4 (MANE Select); coding-DNA position 908, C replaced by G.
Protein change: p.Pro303Arg; replaces proline 303 with arginine.
Molecular consequence: missense variant. On other transcripts: intron variant (1).
Genome position (GRCh38, 1-based): chr2:46,994,421, C>G. VCF-style: chr2-46994421-C-G. GRCh37 (hg19) VCF-style: chr2-47221560-C-G.
Other names: c.908C>G, p.Pro303Arg (NM_001288951.2); c.806C>G, p.Pro269Arg (NM_001288953.2); c.-61-715C>G (NM_001288955.2); short protein forms P303R, P269R.
Identifiers: ClinVar variation 1435730 (VCV001435730.6), dbSNP rs769792694, ClinGen allele CA1647408.

ClinVar aggregate classification (germline): Uncertain significance (1 of 4 stars; one submission).

Conditions:
Multiple gastrointestinal atresias. Also called: Multiple intestinal atresia; FAMILIAL INTESTINAL POLYATRESIA SYNDROME. Identifiers: Orphanet 2300, MedGen C0220744, MONDO:0009465.

Allele frequency attached by ClinVar (database versions not stated): gnomAD exomes below 0.00001; gnomAD 0.00003 and 0.00004; TOPMed 0.00003.
gnomAD v4.1: 6 of 1,613,900 alleles (0.00037%); highest among the groups gnomAD compares: African/African-American, 0.0053%; no homozygotes.

Submission:

Labcorp Genetics (formerly Invitae), Labcorp
Classification: Uncertain significance for Multiple gastrointestinal atresias. Last evaluated: 2024-11-18. Review status: criteria provided, single submitter. Criteria: Invitae Variant Classification Sherloc (09022015). Collection method: clinical testing. Allele origin: germline.
Comment: This sequence change replaces proline, which is neutral and non-polar, with arginine, which is basic and polar, at codon 303 of the TTC7A protein (p.Pro303Arg). This variant is present in population databases (rs769792694, gnomAD 0.01%). This variant has not been reported in the literature in individuals affected with TTC7A-related conditions. ClinVar contains an entry for this variant (Variation ID: 1435730). Invitae Evidence Modeling of protein sequence and biophysical properties (such as structural, functional, and spatial information, amino acid conservation, physicochemical variation, residue mobility, and thermodynamic stability) indicates that this missense variant is expected to disrupt TTC7A protein function with a positive predictive value of 80%. In summary, the available evidence is currently insufficient to determine the role of this variant in disease. Therefore, it has been classified as a Variant of Uncertain Significance.